The following is an entry in ClinVar:

NM_018163.3(DNAJC17):c.451C>T (p.Arg151Cys)

Gene: DNAJC17 (DnaJ heat shock protein family (Hsp40) member C17; minus strand). Cytogenetic location: 15q15.1.
Variant type: single nucleotide variant.
Coding change: c.451C>T on transcript NM_018163.3 (MANE Select); coding-DNA position 451, C replaced by T.
Protein change: p.Arg151Cys; replaces arginine 151 with cysteine.
Molecular consequence: missense variant.
Genome position (GRCh38, 1-based): chr15:40,776,223, G>A on the plus strand (C>T on the coding strand, the complement: DNAJC17 is on the minus strand). VCF-style: chr15-40776223-G-A. GRCh37 (hg19) VCF-style: chr15-41068421-G-A.
Other names: c.451C>T (NM_018163.2); short protein forms R151C.
Identifiers: ClinVar variation 2995301 (VCV002995301.4), dbSNP rs774713452, ClinGen allele CA7485150.

ClinVar aggregate classification (germline): Uncertain significance. Review status: criteria provided, multiple submitters, no conflicts (2 of 4 stars). 2 submissions from 2 submitters: Uncertain significance (2). Last evaluated 2025-05-19.

Allele frequency attached by ClinVar (database versions not stated): gnomAD 0.00004; TOPMed 0.00005.

Submissions (2):

Ambry Genetics
Classification: Uncertain significance. Last evaluated: 2025-05-19. Review status: criteria provided, single submitter. Criteria: Ambry Variant Classification Scheme 2023. Collection method: clinical testing. Allele origin: germline.

Labcorp Genetics (formerly Invitae), Labcorp
Classification: Uncertain significance. Last evaluated: 2025-01-01. Review status: criteria provided, single submitter. Criteria: Invitae Variant Classification Sherloc (09022015). Collection method: clinical testing. Allele origin: germline.
Comment: This sequence change replaces arginine, which is basic and polar, with cysteine, which is neutral and slightly polar, at codon 151 of the DNAJC17 protein (p.Arg151Cys). This variant is present in population databases (rs774713452, gnomAD 0.03%). This variant has not been reported in the literature in individuals affected with DNAJC17-related conditions. ClinVar contains an entry for this variant (Variation ID: 2995301). An algorithm developed to predict the effect of missense changes on protein structure and function outputs the following: PolyPhen-2: "Benign". The cysteine amino acid residue is found in multiple mammalian species, which suggests that this missense change does not adversely affect protein function. In summary, the available evidence is currently insufficient to determine the role of this variant in disease. Therefore, it has been classified as a Variant of Uncertain Significance.